The following is an entry in ClinVar:

NM_022100.3(MRPS14):c.239G>T (p.Arg80Leu)

Gene: MRPS14 (mitochondrial ribosomal protein S14; minus strand). Cytogenetic location: 1q25.1.
Variant type: single nucleotide variant.
Coding change: c.239G>T on transcript NM_022100.3 (MANE Select); coding-DNA position 239, G replaced by T.
Protein change: p.Arg80Leu; replaces arginine 80 with leucine.
Molecular consequence: missense variant. On other transcripts: non-coding transcript variant (1).
Genome position (GRCh38, 1-based): chr1:175,014,817, C>A on the plus strand (G>T on the coding strand, the complement: MRPS14 is on the minus strand). VCF-style: chr1-175014817-C-A. GRCh37 (hg19) VCF-style: chr1-174983953-C-A.
Other names: short protein forms R80L.
Identifiers: ClinVar variation 2187478 (VCV002187478.4), dbSNP rs749935224, ClinGen allele CA343779952.

ClinVar aggregate classification (germline): Uncertain significance (1 of 4 stars; one submission).

gnomAD v4.1: 13 of 1,613,912 alleles (0.00081%); highest among the groups gnomAD compares: Non-Finnish European, 0.0011%; no homozygotes.

Submission:

Labcorp Genetics (formerly Invitae), Labcorp
Classification: Uncertain significance. Last evaluated: 2022-03-04. Review status: criteria provided, single submitter. Criteria: Invitae Variant Classification Sherloc (09022015). Collection method: clinical testing. Allele origin: germline.
Comment: Algorithms developed to predict the effect of missense changes on protein structure and function are either unavailable or do not agree on the potential impact of this missense change (SIFT: "Deleterious"; PolyPhen-2: "Possibly Damaging"; Align-GVGD: "Class C0"). This sequence change replaces arginine, which is basic and polar, with leucine, which is neutral and non-polar, at codon 80 of the MRPS14 protein (p.Arg80Leu). The frequency data for this variant in the population databases is considered unreliable, as metrics indicate poor data quality at this position in the gnomAD database. This variant has not been reported in the literature in individuals affected with MRPS14-related conditions. In summary, the available evidence is currently insufficient to determine the role of this variant in disease. Therefore, it has been classified as a Variant of Uncertain Significance.